The following is an entry in ClinVar:

NM_001032283.3(TMPO):c.565+1260A>C

Gene: TMPO (thymopoietin; plus strand). Cytogenetic location: 12q23.1.
Variant type: single nucleotide variant.
Coding change: c.565+1260A>C on transcript NM_001032283.3 (MANE Select); 1260 bases into the intron after coding-DNA position 565, A replaced by C.
Molecular consequence: intron variant. On other transcripts: missense variant (1).
Genome position (GRCh38, 1-based): chr12:98,533,098, A>C. VCF-style: chr12-98533098-A-C. GRCh37 (hg19) VCF-style: chr12-98926876-A-C.
Other names: c.841A>C, p.Lys281Gln (NM_003276.2); c.565+1260A>C (NM_001307975.2, NM_001032284.3); short protein forms K281Q.
Identifiers: ClinVar variation 859432 (VCV000859432.10), dbSNP rs779869644, ClinGen allele CA6732293.

ClinVar aggregate classification (germline): Uncertain significance (1 of 4 stars; one submission).

Conditions:
Loeys-Dietz syndrome 2 (LDS2). Also called: TGFBR2-Related Loeys-Dietz Syndrome; Marfan Syndrome type 2; Marfan like connective tissue disorder; MFS 2; Marfan syndrome, type 2 (formerly); AORTIC ANEURYSM, FAMILIAL THORACIC 3. Identifiers: Orphanet 284973, Orphanet 558, MedGen C2674574, MONDO:0012427, OMIM 610168.

Allele frequency attached by ClinVar (database versions not stated): gnomAD exomes below 0.00001 and 0.00001; ExAC 0.00001.
gnomAD v4.1: 10 of 1,614,038 alleles (0.00062%); highest among the groups gnomAD compares: Non-Finnish European, 0.00085%; no homozygotes.

Submission:

Labcorp Genetics (formerly Invitae), Labcorp
Classification: Uncertain significance for Loeys-Dietz syndrome 2. Last evaluated: 2019-01-26. Review status: criteria provided, single submitter. Criteria: Invitae Variant Classification Sherloc (09022015). Collection method: clinical testing. Allele origin: germline.
Comment: In summary, the available evidence is currently insufficient to determine the role of this variant in disease. Therefore, it has been classified as a Variant of Uncertain Significance. Algorithms developed to predict the effect of sequence changes on RNA splicing suggest that this variant may create or strengthen a splice site, but this prediction has not been confirmed by published transcriptional studies. Algorithms developed to predict the effect of missense changes on protein structure and function (SIFT, PolyPhen-2, Align-GVGD) all suggest that this variant is likely to be tolerated, but these predictions have not been confirmed by published functional studies and their clinical significance is uncertain. This variant has not been reported in the literature in individuals with TMPO-related conditions. This variant is present in population databases (rs779869644, ExAC 0.001%). This sequence change replaces lysine with glutamine at codon 281 of the TMPO protein (p.Lys281Gln). The lysine residue is weakly conserved and there is a small physicochemical difference between lysine and glutamine.